The following is an entry in ClinVar:

NM_001184.4(ATR):c.455T>G (p.Leu152Arg)

Gene: ATR (ATR checkpoint kinase; minus strand). Cytogenetic location: 3q23.
Variant type: single nucleotide variant.
Coding change: c.455T>G on transcript NM_001184.4 (MANE Select); coding-DNA position 455, T replaced by G.
Protein change: p.Leu152Arg; replaces leucine 152 with arginine.
Molecular consequence: missense variant.
Genome position (GRCh38, 1-based): chr3:142,562,947, A>C on the plus strand (T>G on the coding strand, the complement: ATR is on the minus strand). VCF-style: chr3-142562947-A-C. GRCh37 (hg19) VCF-style: chr3-142281789-A-C.
Other names: c.455T>G, p.Leu152Arg (NM_001354579.2); short protein forms L152R.
Identifiers: ClinVar variation 1741491 (VCV001741491.2), dbSNP rs2473429528, ClinGen allele CA354826901.
Genomic context (GRCh38, chr3:142,562,947, plus strand): 5'-GGCCATTCCACAGCATGACCCATCACATTTCTTCTATGGAGGTAAACCAAGTCTTCAAAA[A>C]GTTGTAATAATTCTTTTGTGAGTACCCCAAAAATAGCAGGACTCTTGCTTTTAAAAAGAA-3'
Protein context (NP_001175.2, residues 142-162): FGVLTKELLQ[Leu152Arg]FEDLVYLHRR

ClinVar aggregate classification (germline): Uncertain significance (1 of 4 stars; one submission).

Conditions:
Inborn genetic diseases. Identifiers: MedGen C0950123, MeSH D030342.

Submission:

Ambry Genetics
Classification: Uncertain significance for Inborn genetic diseases. Last evaluated: 2022-07-11. Review status: criteria provided, single submitter. Criteria: Ambry Variant Classification Scheme 2023. Collection method: clinical testing. Allele origin: germline.
Comment: The p.L152R variant (also known as c.455T>G), located in coding exon 4 of the ATR gene, results from a T to G substitution at nucleotide position 455. The leucine at codon 152 is replaced by arginine, an amino acid with dissimilar properties. This amino acid position is conserved. In addition, this alteration is predicted to be deleterious by in silico analysis. Since supporting evidence is limited at this time, the clinical significance of this alteration remains unclear.